The following is an entry in ClinVar:

ClinVar aggregate classification (germline): Uncertain significance (1 of 4 stars; one submission).

Submission:

Labcorp Genetics (formerly Invitae), Labcorp
Classification: Uncertain significance. Last evaluated: 2022-04-19. Review status: criteria provided, single submitter. Criteria: Invitae Variant Classification Sherloc (09022015). Collection method: clinical testing. Allele origin: germline.
Comment: This variant is not present in population databases (gnomAD no frequency). In summary, the available evidence is currently insufficient to determine the role of this variant in disease. Therefore, it has been classified as a Variant of Uncertain Significance. Algorithms developed to predict the effect of missense changes on protein structure and function (SIFT, PolyPhen-2, Align-GVGD) all suggest that this variant is likely to be disruptive. This variant has not been reported in the literature in individuals affected with NFKB1-related conditions. This sequence change replaces glutamic acid, which is acidic and polar, with glycine, which is neutral and non-polar, at codon 63 of the NFKB1 protein (p.Glu63Gly).

NM_003998.4(NFKB1):c.188A>G (p.Glu63Gly)

Gene: NFKB1 (nuclear factor kappa B subunit 1; plus strand). Cytogenetic location: 4q24.
Variant type: single nucleotide variant.
Coding change: c.188A>G on transcript NM_003998.4 (MANE Select); coding-DNA position 188, A replaced by G.
Protein change: p.Glu63Gly; replaces glutamic acid 63 with glycine.
Molecular consequence: missense variant.
Genome position (GRCh38, 1-based): chr4:102,537,886, A>G. VCF-style: chr4-102537886-A-G. GRCh37 (hg19) VCF-style: chr4-103459043-A-G.
Other names: c.185A>G, p.Glu62Gly (NM_001165412.2, NM_001319226.2, NM_001382627.1); c.188A>G, p.Glu63Gly (NM_001382625.1, NM_001382626.1); c.146A>G, p.Glu49Gly (NM_001382628.1); short protein forms E62G, E63G, E49G.
Identifiers: ClinVar variation 2128113 (VCV002128113.4), dbSNP rs2476200259, ClinGen allele CA357957664.